The following is an entry in ClinVar:

NM_000132.4(F8):c.2217G>A (p.Glu739=)

Gene: F8 (coagulation factor VIII; minus strand). Cytogenetic location: Xq28.
Variant type: single nucleotide variant.
Coding change: c.2217G>A on transcript NM_000132.4 (MANE Select); coding-DNA position 2217, G replaced by A.
Protein change: p.Glu739=; no amino-acid change (glutamic acid 739 retained).
Molecular consequence: synonymous variant.
Genome position (GRCh38, 1-based): chrX:154,931,573, C>T on the plus strand (G>A on the coding strand, the complement: F8 is on the minus strand). VCF-style: chrX-154931573-C-T. GRCh37 (hg19) VCF-style: chrX-154159848-C-T.
Identifiers: ClinVar variation 913259 (VCV000913259.5), dbSNP rs781850654, ClinGen allele CA10568348.

ClinVar aggregate classification (germline): Likely benign. Review status: criteria provided, multiple submitters, no conflicts (2 of 4 stars). 2 submissions from 2 submitters: Likely benign (2). Last evaluated 2025-11-02.

Conditions:
F8-related disorder. Also called: F8-related condition.
Hereditary factor VIII deficiency disease (HEMA). Also called: Hemophilia A; Factor 8 deficiency, congenital; HEMOPHILIA, CLASSIC; AUTOSOMAL HEMOPHILIA A; Hemophilia A, congenital; HEM A. Identifiers: Orphanet 98878, MedGen C0019069, MONDO:0010602, OMIM 306700.

Allele frequency attached by ClinVar (database versions not stated): gnomAD exomes 0.00004 and 0.00005; ExAC 0.00006; TOPMed 0.00002.
gnomAD v4.1: 40 of 1,210,752 alleles (0.0033%); highest among the groups gnomAD compares: East Asian, 0.12%; no homozygotes.

Submissions (2):

PreventionGenetics, part of Exact Sciences
Classification: Likely benign for F8-related condition. Last evaluated: 2025-11-02. Review status: criteria provided, single submitter. Criteria: ACMG Guidelines, 2015. Collection method: clinical testing. Allele origin: germline.
Comment: This variant is classified as likely benign based on ACMG/AMP sequence variant interpretation guidelines (Richards et al. 2015 PMID: 25741868, with internal and published modifications).

Illumina Laboratory Services, Illumina
Classification: Likely benign for Hereditary factor VIII deficiency disease. Last evaluated: 2018-01-13. Review status: criteria provided, single submitter. Criteria: ICSL Variant Classification Criteria 13 December 2019. Collection method: clinical testing. Allele origin: germline.
Comment: This variant was observed in the ICSL laboratory as part of a predisposition screen in an ostensibly healthy population. It had not been previously curated by ICSL or reported in the Human Gene Mutation Database (HGMD: prior to June 1st, 2018), and was therefore a candidate for classification through an automated scoring system. Utilizing variant allele frequency, disease prevalence and penetrance estimates, and inheritance mode, an automated score was calculated to assess if this variant is too frequent to cause the disease. Based on the score and internal cut-off values, a variant classified as likely benign is not then subjected to further curation. The score for this variant resulted in a classification of likely benign for this disease.